The following is an entry in ClinVar:

NM_001040108.2(MLH3):c.644A>C (p.Tyr215Ser)

Gene: MLH3 (mutL homolog 3; minus strand). Cytogenetic location: 14q24.3.
Variant type: single nucleotide variant.
Coding change: c.644A>C on transcript NM_001040108.2 (MANE Select); coding-DNA position 644, A replaced by C.
Protein change: p.Tyr215Ser; replaces tyrosine 215 with serine.
Molecular consequence: missense variant.
Genome position (GRCh38, 1-based): chr14:75,049,012, T>G on the plus strand (A>C on the coding strand, the complement: MLH3 is on the minus strand). VCF-style: chr14-75049012-T-G. GRCh37 (hg19) VCF-style: chr14-75515715-T-G.
Other names: c.644A>C, p.Tyr215Ser (NM_014381.3); short protein forms Y215S.
Identifiers: ClinVar variation 3295118 (VCV003295118.1).

ClinVar aggregate classification (germline): Uncertain significance (1 of 4 stars; one submission).

Submission:

Ambry Genetics
Classification: Uncertain significance. Last evaluated: 2024-04-24. Review status: criteria provided, single submitter. Criteria: Ambry Variant Classification Scheme 2023. Collection method: clinical testing. Allele origin: germline.
Comment: The p.Y215S variant (also known as c.644A>C), located in coding exon 1 of the MLH3 gene, results from an A to C substitution at nucleotide position 644. The tyrosine at codon 215 is replaced by serine, an amino acid with dissimilar properties. This amino acid position is conserved. In addition, the in silico prediction for this alteration is inconclusive. Based on the available evidence, the clinical significance of this variant remains unclear.